The following is an entry in ClinVar:

NM_005732.4(RAD50):c.3511G>A (p.Glu1171Lys)

Genes: TH2LCRR (T helper type 2 locus control region associated RNA; minus strand), TH2-LCR (Th2 cytokine locus control region; plus strand), RAD50 (RAD50 double strand break repair protein; plus strand). Cytogenetic location: 5q31.1.
Variant type: single nucleotide variant.
Coding change: c.3511G>A on transcript NM_005732.4 (MANE Select); coding-DNA position 3511, G replaced by A.
Protein change: p.Glu1171Lys; replaces glutamic acid 1171 with lysine.
Molecular consequence: missense variant. On other transcripts: non-coding transcript variant (2).
Genome position (GRCh38, 1-based): chr5:132,638,116, G>A. VCF-style: chr5-132638116-G-A. GRCh37 (hg19) VCF-style: chr5-131973808-G-A.
Other names: short protein forms E1171K.
Identifiers: ClinVar variation 484690 (VCV000484690.15), dbSNP rs1554100947, ClinGen allele CA360931281.

ClinVar aggregate classification (germline): Uncertain significance. Review status: criteria provided, multiple submitters, no conflicts (2 of 4 stars). 2 submissions from 2 submitters: Uncertain significance (2). Last evaluated 2020-12-21.

Conditions:
Hereditary cancer-predisposing syndrome. Also called: Neoplastic Syndromes, Hereditary; Tumor predisposition; Hereditary Cancer Syndrome; Hereditary neoplastic syndrome. Identifiers: Orphanet 140162, MedGen C0027672, MeSH D009386, MONDO:0015356.

Submissions (2):

Labcorp Genetics (formerly Invitae), Labcorp
Classification: Uncertain significance for Hereditary cancer-predisposing syndrome. Last evaluated: 2020-12-21. Review status: criteria provided, single submitter. Criteria: Invitae Variant Classification Sherloc (09022015). Collection method: clinical testing. Allele origin: germline.
Comment: In summary, the available evidence is currently insufficient to determine the role of this variant in disease. Therefore, it has been classified as a Variant of Uncertain Significance. Algorithms developed to predict the effect of missense changes on protein structure and function (SIFT, PolyPhen-2, Align-GVGD) all suggest that this variant is likely to be tolerated, but these predictions have not been confirmed by published functional studies and their clinical significance is uncertain. This variant has not been reported in the literature in individuals with RAD50-related conditions. ClinVar contains an entry for this variant (Variation ID: 484690). This variant is not present in population databases (ExAC no frequency). This sequence change replaces glutamic acid with lysine at codon 1171 of the RAD50 protein (p.Glu1171Lys). The glutamic acid residue is moderately conserved and there is a small physicochemical difference between glutamic acid and lysine.

Ambry Genetics
Classification: Uncertain significance for Hereditary cancer-predisposing syndrome. Last evaluated: 2016-12-23. Review status: criteria provided, single submitter. Criteria: Ambry Variant Classification Scheme 2023. Collection method: clinical testing. Allele origin: germline.
Comment: The p.E1171K variant (also known as c.3511G>A), located in coding exon 23 of the RAD50 gene, results from a G to A substitution at nucleotide position 3511. The glutamic acid at codon 1171 is replaced by lysine, an amino acid with similar properties. This amino acid position is well conserved in available vertebrate species. In addition, the in silico prediction for this alteration is inconclusive. Since supporting evidence is limited at this time, the clinical significance of this alteration remains unclear.